The following is an entry in ClinVar:

NM_000901.5(NR3C2):c.1689C>T (p.His563=)

Gene: NR3C2 (nuclear receptor subfamily 3 group C member 2; minus strand). Cytogenetic location: 4q31.23.
Variant type: single nucleotide variant.
Coding change: c.1689C>T on transcript NM_000901.5 (MANE Select); coding-DNA position 1689, C replaced by T.
Protein change: p.His563=; no amino-acid change (histidine 563 retained).
Molecular consequence: synonymous variant. On other transcripts: non-coding transcript variant (1).
Genome position (GRCh38, 1-based): chr4:148,435,172, G>A on the plus strand (C>T on the coding strand, the complement: NR3C2 is on the minus strand). VCF-style: chr4-148435172-G-A. GRCh37 (hg19) VCF-style: chr4-149356324-G-A.
Other names: p.His563=; c.1689C>T, p.His563= (NM_001166104.2, NM_001354819.1).
Identifiers: ClinVar variation 347729 (VCV000347729.19), dbSNP rs5528, ClinGen allele CA3100264.

ClinVar aggregate classification (germline): Benign/Likely benign. Review status: criteria provided, multiple submitters, no conflicts (2 of 4 stars). 5 submissions from 5 submitters: Benign (3); Likely benign (2). Last evaluated 2026-03-01.

Conditions:
Autosomal dominant pseudohypoaldosteronism type 1. Also called: Pseudohypoaldosteronism, Type I, Dominant; PHA I, AUTOSOMAL DOMINANT; Pseudohypoaldosteronism, Type I, Autosomal Dominant. Identifiers: Orphanet 171871, Orphanet 756, MedGen C1449842, MONDO:0008329, OMIM 177735.

Allele frequency attached by ClinVar (database versions not stated): TOPMed 0.00586; gnomAD 0.00638 and 0.00650; ESP Exome Variant Server 0.00677; 1000 Genomes Project 0.00459; 1000 Genomes Project 30x 0.00500; gnomAD exomes 0.00567; ExAC 0.00576.
gnomAD v4.1: 13,218 of 1,614,078 alleles (0.82%); highest among the groups gnomAD compares: Non-Finnish European, 0.99%; 64 homozygotes.

Submissions (5):

CeGaT Center for Human Genetics Tuebingen
Classification: Likely benign. Last evaluated: 2026-03-01. Review status: criteria provided, single submitter. Criteria: CeGaT Center For Human Genetics Tuebingen Variant Classification Criteria Version 2. Collection method: clinical testing. Allele origin: germline. Affected: yes. Observed: 1 variant allele.
Comment: NR3C2: BP4, BP7, BS2

Labcorp Genetics (formerly Invitae), Labcorp
Classification: Benign. Last evaluated: 2025-12-27. Review status: criteria provided, single submitter. Criteria: Invitae Variant Classification Sherloc (09022015). Collection method: clinical testing. Allele origin: germline.

Blueprint Genetics
Classification: Likely benign. Last evaluated: 2024-11-25. Review status: criteria provided, single submitter. Criteria: ACMG Guidelines, 2015. Collection method: clinical testing. Allele origin: germline.

Mayo Clinic Laboratories, Mayo Clinic
Classification: Benign. Last evaluated: 2023-03-08. Review status: criteria provided, single submitter. Criteria: ACMG Guidelines, 2015. Collection method: clinical testing. Allele origin: germline. Observed: 3 variant alleles.
Comment: BS2, BP4, BP7

Illumina Laboratory Services, Illumina
Classification: Benign for Autosomal dominant pseudohypoaldosteronism type 1. Last evaluated: 2018-01-13. Review status: criteria provided, single submitter. Criteria: ICSL Variant Classification Criteria 13 December 2019. Collection method: clinical testing. Allele origin: germline.
Comment: This variant was observed in the ICSL laboratory as part of a predisposition screen in an ostensibly healthy population. It had not been previously curated by ICSL or reported in the Human Gene Mutation Database (HGMD: prior to June 1st, 2018), and was therefore a candidate for classification through an automated scoring system. Utilizing variant allele frequency, disease prevalence and penetrance estimates, and inheritance mode, an automated score was calculated to assess if this variant is too frequent to cause the disease. Based on the score and internal cut-off values, a variant classified as benign is not then subjected to further curation. The score for this variant resulted in a classification of benign for this disease.